The following is an entry in ClinVar:

NM_000334.4(SCN4A):c.2078T>G (p.Ile693Ser)

Genes: GH-LCR (growth hormone locus control region; plus strand), SCN4A (sodium voltage-gated channel alpha subunit 4; minus strand). Cytogenetic location: 17q23.3.
Variant type: single nucleotide variant.
Coding change: c.2078T>G on transcript NM_000334.4 (MANE Select); coding-DNA position 2078, T replaced by G.
Protein change: p.Ile693Ser; replaces isoleucine 693 with serine.
Molecular consequence: missense variant.
Genome position (GRCh38, 1-based): chr17:63,957,460, A>C on the plus strand (T>G on the coding strand, the complement: SCN4A is on the minus strand). VCF-style: chr17-63957460-A-C. GRCh37 (hg19) VCF-style: chr17-62034820-A-C.
Other names: short protein forms I693S.
Identifiers: ClinVar variation 1918174 (VCV001918174.5), dbSNP rs80338956, ClinGen allele CA400631226.

ClinVar aggregate classification (germline): Likely pathogenic (1 of 4 stars; one submission).

Conditions:
Hyperkalemic periodic paralysis. Also called: Familial hyperkalemic periodic paralysis; Gamstorp disease. Identifiers: Orphanet 682, MedGen C0238357, MONDO:0008224, OMIM 170500, HP:0007215.

Submission:

Labcorp Genetics (formerly Invitae), Labcorp
Classification: Likely pathogenic for Hyperkalemic periodic paralysis. Last evaluated: 2022-10-19. Review status: criteria provided, single submitter. Criteria: Invitae Variant Classification Sherloc (09022015). Collection method: clinical testing. Allele origin: germline.
Comment: This sequence change replaces isoleucine, which is neutral and non-polar, with serine, which is neutral and polar, at codon 693 of the SCN4A protein (p.Ile693Ser). This variant is not present in population databases (gnomAD no frequency). In summary, the currently available evidence indicates that the variant is pathogenic, but additional data are needed to prove that conclusively. Therefore, this variant has been classified as Likely Pathogenic. This variant disrupts the p.Ile693 amino acid residue in SCN4A. Other variant(s) that disrupt this residue have been determined to be pathogenic (PMID: 2649440, 8902732, 9508833, 19015492, 20076800). This suggests that this residue is clinically significant, and that variants that disrupt this residue are likely to be disease-causing. Advanced modeling of protein sequence and biophysical properties (such as structural, functional, and spatial information, amino acid conservation, physicochemical variation, residue mobility, and thermodynamic stability) performed at Invitae indicates that this missense variant is expected to disrupt SCN4A protein function. This missense change has been observed in individual(s) with autosomal dominant paramyotonia congenita (PMID: 28662944).

Literature cited by the submitters: PubMed 2649440; PubMed 8902732; PubMed 9508833; PubMed 19015492; PubMed 20076800; PubMed 28662944.